The following is an entry in ClinVar:

ClinVar aggregate classification (germline): Uncertain significance. Review status: criteria provided, multiple submitters, no conflicts (2 of 4 stars). 2 submissions from 2 submitters: Uncertain significance (2). Last evaluated 2024-11-11.

Conditions:
Inborn genetic diseases. Identifiers: MedGen C0950123, MeSH D030342.
Spondyloenchondrodysplasia with immune dysregulation (SPENCDI). Also called: COMBINED IMMUNODEFICIENCY WITH AUTOIMMUNITY AND SPONDYLOMETAPHYSEAL DYSPLASIA; ROIFMAN IMMUNOSKELETAL SYNDROME; SPONDYLOENCHONDRODYSPLASIA WITH OR WITHOUT IMMUNE DYSREGULATION. Identifiers: Orphanet 1855, MedGen C1842763, MONDO:0011939, OMIM 607944.

Submissions (2):

Labcorp Genetics (formerly Invitae), Labcorp
Classification: Uncertain significance for Spondyloenchondrodysplasia with immune dysregulation. Last evaluated: 2024-11-11. Review status: criteria provided, single submitter. Criteria: Invitae Variant Classification Sherloc (09022015). Collection method: clinical testing. Allele origin: germline.
Comment: This sequence change replaces leucine, which is neutral and non-polar, with phenylalanine, which is neutral and non-polar, at codon 114 of the ACP5 protein (p.Leu114Phe). This variant is present in population databases (rs763172932, gnomAD 0.004%). This variant has not been reported in the literature in individuals affected with ACP5-related conditions. ClinVar contains an entry for this variant (Variation ID: 1384700). Invitae Evidence Modeling of protein sequence and biophysical properties (such as structural, functional, and spatial information, amino acid conservation, physicochemical variation, residue mobility, and thermodynamic stability) indicates that this missense variant is not expected to disrupt ACP5 protein function with a negative predictive value of 95%. In summary, the available evidence is currently insufficient to determine the role of this variant in disease. Therefore, it has been classified as a Variant of Uncertain Significance.

Ambry Genetics
Classification: Uncertain significance for Inborn genetic diseases. Last evaluated: 2021-08-10. Review status: criteria provided, single submitter. Criteria: Ambry Variant Classification Scheme 2023. Collection method: clinical testing. Allele origin: germline.

NM_001611.5(ACP5):c.340C>T (p.Leu114Phe)

Gene: ACP5 (acid phosphatase 5, tartrate resistant; minus strand). Cytogenetic location: 19p13.2.
Variant type: single nucleotide variant.
Coding change: c.340C>T on transcript NM_001611.5 (MANE Select); coding-DNA position 340, C replaced by T.
Protein change: p.Leu114Phe; replaces leucine 114 with phenylalanine.
Molecular consequence: missense variant.
Genome position (GRCh38, 1-based): chr19:11,576,765, G>A on the plus strand (C>T on the coding strand, the complement: ACP5 is on the minus strand). VCF-style: chr19-11576765-G-A. GRCh37 (hg19) VCF-style: chr19-11687580-G-A.
Other names: c.340C>T, p.Leu114Phe (NM_001111034.3, NM_001111035.3, NM_001111036.3 and 1 more transcripts); c.340C>T (NM_001111035.1); short protein forms L114F.
Identifiers: ClinVar variation 1384700 (VCV001384700.6), dbSNP rs763172932, ClinGen allele CA9215443.